The following is an entry in ClinVar:

NM_000090.4(COL3A1):c.1718G>A (p.Gly573Asp)

Gene: COL3A1 (collagen type III alpha 1 chain; plus strand). Cytogenetic location: 2q32.2.
Variant type: single nucleotide variant.
Coding change: c.1718G>A on transcript NM_000090.4 (MANE Select); coding-DNA position 1718, G replaced by A.
Protein change: p.Gly573Asp; replaces glycine 573 with aspartic acid.
Molecular consequence: missense variant.
Genome position (GRCh38, 1-based): chr2:188,996,453, G>A. VCF-style: chr2-188996453-G-A. GRCh37 (hg19) VCF-style: chr2-189861179-G-A.
Other names: short protein forms G573D.
Identifiers: ClinVar variation 2734343 (VCV002734343.3), dbSNP rs2469135450, ClinGen allele CA349852748.
Genomic context (GRCh38, chr2:188,996,453, plus strand): 5'-ATTAGGGAAGTCAAGGAGAAAGTGGTCGACCAGGTCCTCCTGGGCCATCTGGTCCCCGAG[G>A]TCAGCCTGGTGTCATGGGCTTCCCCGGTCCTAAAGGAAATGATGTGAGTTCCTTCATTAA-3'
Protein context (NP_000081.2, residues 563-583): PGPPGPSGPR[Gly573Asp]QPGVMGFPGP

ClinVar aggregate classification (germline): Likely pathogenic (1 of 4 stars; one submission).

Conditions:
Ehlers-Danlos syndrome, type 4 (EDSVASC). Also called: Ehlers-Danlos Syndrome Type IV; Ehlers-Danlos syndrome vascular type; Ehlers Danlos syndrome, ecchymotic type; Ehlers Danlos syndrome, arterial type; Ehlers Danlos syndrome, Sack-Barabas type. Identifiers: Orphanet 286, MedGen C0268338, MONDO:0017314, OMIM 130050.

Submission:

Labcorp Genetics (formerly Invitae), Labcorp
Classification: Likely pathogenic for Ehlers-Danlos syndrome, type 4. Last evaluated: 2023-07-20. Review status: criteria provided, single submitter. Criteria: Invitae Variant Classification Sherloc (09022015). Collection method: clinical testing. Allele origin: germline.
Comment: In summary, the currently available evidence indicates that the variant is pathogenic, but additional data are needed to prove that conclusively. Therefore, this variant has been classified as Likely Pathogenic. This variant disrupts the triple helix domain of COL3A1. Glycine residues within the Gly-Xaa-Yaa repeats of the triple helix domain are required for the structure and stability of fibrillar collagens (PMID: 7695699, 8218237, 19344236). In COL3A1, variants that affect these glycine residues are significantly enriched in individuals with disease (PMID: 24922459, 25758994) compared to the general population (ExAC). Advanced modeling of protein sequence and biophysical properties (such as structural, functional, and spatial information, amino acid conservation, physicochemical variation, residue mobility, and thermodynamic stability) performed at Invitae indicates that this missense variant is expected to disrupt COL3A1 protein function. This missense change has been observed in individual(s) with vascular Ehlers-Danlos syndrome (PMID: 20518783). This variant is not present in population databases (gnomAD no frequency). This sequence change replaces glycine, which is neutral and non-polar, with aspartic acid, which is acidic and polar, at codon 573 of the COL3A1 protein (p.Gly573Asp).

Literature cited by the submitters: PubMed 7695699; PubMed 8218237; PubMed 19344236; PubMed 24922459; PubMed 25758994; PubMed 20518783.